The following is an entry in ClinVar:

ClinVar aggregate classification (germline): Uncertain significance (1 of 4 stars; one submission).

Submission:

GeneDx
Classification: Uncertain significance. Last evaluated: 2024-10-25. Review status: criteria provided, single submitter. Criteria: GeneDx Variant Classification Process June 2021. Collection method: clinical testing. Allele origin: germline. Affected: yes.
Comment: Not observed at significant frequency in large population cohorts (gnomAD); In silico analysis supports that this missense variant has a deleterious effect on protein structure/function; Has not been previously published as pathogenic or benign to our knowledge

NM_032108.4(SEMA6B):c.752A>G (p.Glu251Gly)

Gene: SEMA6B (semaphorin 6B; minus strand). Cytogenetic location: 19p13.3.
Variant type: single nucleotide variant.
Coding change: c.752A>G on transcript NM_032108.4 (MANE Select); coding-DNA position 752, A replaced by G.
Protein change: p.Glu251Gly; replaces glutamic acid 251 with glycine.
Molecular consequence: missense variant.
Genome position (GRCh38, 1-based): chr19:4,554,407, T>C on the plus strand (A>G on the coding strand, the complement: SEMA6B is on the minus strand). VCF-style: chr19-4554407-T-C. GRCh37 (hg19) VCF-style: chr19-4554419-T-C.
Other names: short protein forms E251G.
Identifiers: ClinVar variation 3893565 (VCV003893565.1).